The following is an entry in ClinVar:

ClinVar aggregate classification (germline): Uncertain significance (1 of 4 stars; one submission).

Submission:

GeneDx
Classification: Uncertain significance. Last evaluated: 2024-01-06. Review status: criteria provided, single submitter. Criteria: GeneDx Variant Classification Process June 2021. Collection method: clinical testing. Allele origin: germline. Affected: yes.
Comment: Not observed at significant frequency in large population cohorts (gnomAD); In silico analysis supports that this variant does not alter protein structure/function; Has not been previously published as pathogenic or benign to our knowledge

NM_001111.5(ADAR):c.94_95delinsAA (p.Pro32Lys)

Gene: ADAR (adenosine deaminase RNA specific; minus strand). Cytogenetic location: 1q21.3.
Variant type: Indel.
Coding change: c.94_95delinsAA on transcript NM_001111.5 (MANE Select); coding-DNA positions 94 to 95, CC replaced by AA.
Protein change: p.Pro32Lys; replaces proline 32 with lysine.
Molecular consequence: missense variant. On other transcripts: 5 prime UTR variant (6).
Genome position (GRCh38, 1-based): chr1:154,602,547-154,602,548, GG replaced by TT on the plus strand (CC replaced by AA on the coding strand, the reverse complement: ADAR is on the minus strand). VCF-style: chr1-154602547-GG-TT. GRCh37 (hg19) VCF-style: chr1-154575023-GG-TT.
Other names: c.-792_-791delinsAA (NM_001025107.3, NM_001193495.2, NM_001365048.1); c.121_122delinsAA, p.Pro41Lys (NM_001365045.1); c.-656_-655delinsAA (NM_001365046.1, NM_001365047.1, NM_001365049.1); c.94_95delinsAA, p.Pro32Lys (NM_015840.4, NM_015841.4); short protein forms P32K, P41K.
Identifiers: ClinVar variation 3367680 (VCV003367680.1).